The following is an entry in ClinVar:

NM_001457.4(FLNB):c.2299G>A (p.Val767Met)

Gene: FLNB (filamin B; plus strand). Cytogenetic location: 3p14.3.
Variant type: single nucleotide variant.
Coding change: c.2299G>A on transcript NM_001457.4 (MANE Select); coding-DNA position 2299, G replaced by A.
Protein change: p.Val767Met; replaces valine 767 with methionine.
Molecular consequence: missense variant.
Genome position (GRCh38, 1-based): chr3:58,109,675, G>A. VCF-style: chr3-58109675-G-A. GRCh37 (hg19) VCF-style: chr3-58095402-G-A.
Other names: c.2299G>A, p.Val767Met (NM_001164317.2, NM_001164318.2, NM_001164319.2); short protein forms V767M.
Identifiers: ClinVar variation 1314256 (VCV001314256.4), dbSNP rs2097265195, ClinGen allele CA353343650.

ClinVar aggregate classification (germline): Uncertain significance. Review status: criteria provided, multiple submitters, no conflicts (2 of 4 stars). 2 submissions from 2 submitters: Uncertain significance (2). Last evaluated 2024-03-23.

Allele frequency attached by ClinVar (database versions not stated): gnomAD exomes below 0.00001.

Submissions (2):

Labcorp Genetics (formerly Invitae), Labcorp
Classification: Uncertain significance. Last evaluated: 2024-03-23. Review status: criteria provided, single submitter. Criteria: Invitae Variant Classification Sherloc (09022015). Collection method: clinical testing. Allele origin: germline.
Comment: This sequence change replaces valine, which is neutral and non-polar, with methionine, which is neutral and non-polar, at codon 767 of the FLNB protein (p.Val767Met). This variant is not present in population databases (gnomAD no frequency). This variant has not been reported in the literature in individuals affected with FLNB-related conditions. ClinVar contains an entry for this variant (Variation ID: 1314256). Advanced modeling of protein sequence and biophysical properties (such as structural, functional, and spatial information, amino acid conservation, physicochemical variation, residue mobility, and thermodynamic stability) performed at Invitae indicates that this missense variant is not expected to disrupt FLNB protein function with a negative predictive value of 95%. In summary, the available evidence is currently insufficient to determine the role of this variant in disease. Therefore, it has been classified as a Variant of Uncertain Significance.

GeneDx
Classification: Uncertain significance. Last evaluated: 2021-03-30. Review status: criteria provided, single submitter. Criteria: GeneDx Variant Classification Process June 2021. Collection method: clinical testing. Allele origin: germline. Affected: yes.
Comment: Not observed in large population cohorts (Lek et al., 2016); In silico analysis supports that this missense variant has a deleterious effect on protein structure/function; Has not been previously published as pathogenic or benign to our knowledge